The following is an entry in ClinVar:

NM_006231.4(POLE):c.2686A>C (p.Met896Leu)

Gene: POLE (DNA polymerase epsilon, catalytic subunit; minus strand). Cytogenetic location: 12q24.33.
Variant type: single nucleotide variant.
Coding change: c.2686A>C on transcript NM_006231.4 (MANE Select); coding-DNA position 2686, A replaced by C.
Protein change: p.Met896Leu; replaces methionine 896 with leucine.
Molecular consequence: missense variant.
Genome position (GRCh38, 1-based): chr12:132,664,024, T>G on the plus strand (A>C on the coding strand, the complement: POLE is on the minus strand). VCF-style: chr12-132664024-T-G. GRCh37 (hg19) VCF-style: chr12-133240610-T-G.
Other names: short protein forms M896L.
Identifiers: ClinVar variation 2745565 (VCV002745565.3), dbSNP rs2542062169, ClinGen allele CA387395081.

ClinVar aggregate classification (germline): Uncertain significance (1 of 4 stars; one submission).

Submission:

Labcorp Genetics (formerly Invitae), Labcorp
Classification: Uncertain significance. Last evaluated: 2023-07-20. Review status: criteria provided, single submitter. Criteria: Invitae Variant Classification Sherloc (09022015). Collection method: clinical testing. Allele origin: germline.
Comment: This variant has not been reported in the literature in individuals affected with POLE-related conditions. Advanced modeling of protein sequence and biophysical properties (such as structural, functional, and spatial information, amino acid conservation, physicochemical variation, residue mobility, and thermodynamic stability) performed at Invitae indicates that this missense variant is not expected to disrupt POLE protein function. In summary, the available evidence is currently insufficient to determine the role of this variant in disease. Therefore, it has been classified as a Variant of Uncertain Significance. This sequence change replaces methionine, which is neutral and non-polar, with leucine, which is neutral and non-polar, at codon 896 of the POLE protein (p.Met896Leu). This variant is not present in population databases (gnomAD no frequency).